The following is an entry in ClinVar:

ClinVar aggregate classification (germline): Conflicting classifications of pathogenicity. Review status: criteria provided, conflicting classifications (1 of 4 stars). 6 submissions from 6 submitters: Uncertain significance (2); Likely benign (2). 2 of the submissions do not count toward it. Last evaluated 2025-07-22.

Conditions:
Nonsyndromic genetic hearing loss. Also called: Non-syndromic genetic deafness; Nonsyndromic genetic deafness; Nonsyndromic hearing loss and deafness. Identifiers: Orphanet 87884, MedGen C5680182, MONDO:0019497.
Connective tissue disorder. Also called: Connective tissue disease. Identifiers: MedGen C0009782, MONDO:0003900.

Allele frequency attached by ClinVar (database versions not stated): TOPMed 0.00003; gnomAD exomes 0.00004; gnomAD 0.00005 and 0.00006; ExAC 0.00003; ESP Exome Variant Server 0.00012.
gnomAD v4.1: 67 of 1,613,318 alleles (0.0042%); highest among the groups gnomAD compares: Non-Finnish European, 0.0055%; no homozygotes.

Submissions (6):

Labcorp Genetics (formerly Invitae), Labcorp
Classification: Likely benign. Last evaluated: 2025-07-22. Review status: criteria provided, single submitter. Criteria: Invitae Variant Classification Sherloc (09022015). Collection method: clinical testing. Allele origin: germline.

GeneDx
Classification: Uncertain significance. Last evaluated: 2024-11-11. Review status: criteria provided, single submitter. Criteria: GeneDx Variant Classification Process June 2021. Collection method: clinical testing. Allele origin: germline. Affected: yes.
Comment: In silico analysis indicates that this missense variant does not alter protein structure/function; Has not been previously published as pathogenic or benign to our knowledge

Department of Pathology and Laboratory Medicine, Sinai Health System
Classification: Uncertain significance for nonsyndromic genetic hearing loss. Last evaluated: 2022-03-07. Review status: criteria provided, single submitter. Criteria: ACMG Guidelines, 2015. Collection method: research. Allele origin: germline.

Center for Human Genetics, Inc
Classification: Likely benign for Connective tissue disorder. Last evaluated: 2016-11-01. Review status: criteria provided, single submitter. Criteria: ACMG Guidelines, 2015. Collection method: clinical testing. Allele origin: germline. Affected: yes.

Clinical Genetics DNA and cytogenetics Diagnostics Lab, Erasmus MC, Erasmus Medical Center
Classification: Uncertain significance. Review status: no assertion criteria provided. Collection method: clinical testing. Allele origin: germline. Affected: yes. Study: VKGL Data-share Consensus. Not counted in ClinVar's aggregate classification.

Joint Genome Diagnostic Labs from Nijmegen and Maastricht, Radboudumc and MUMC+
Classification: Uncertain significance. Review status: no assertion criteria provided. Collection method: clinical testing. Allele origin: germline. Affected: yes. Study: VKGL Data-share Consensus. Not counted in ClinVar's aggregate classification.

NM_080680.3(COL11A2):c.3950T>C (p.Leu1317Pro)

Gene: COL11A2 (collagen type XI alpha 2 chain; minus strand). Cytogenetic location: 6p21.32.
Variant type: single nucleotide variant.
Coding change: c.3950T>C on transcript NM_080680.3 (MANE Select); coding-DNA position 3950, T replaced by C.
Protein change: p.Leu1317Pro; replaces leucine 1317 with proline.
Molecular consequence: missense variant.
Genome position (GRCh38, 1-based): chr6:33,168,529, A>G on the plus strand (T>C on the coding strand, the complement: COL11A2 is on the minus strand). VCF-style: chr6-33168529-A-G. GRCh37 (hg19) VCF-style: chr6-33136306-A-G.
Other names: c.3629T>C, p.Leu1210Pro (NM_080679.3); c.3692T>C, p.Leu1231Pro (NM_080681.3); short protein forms L1317P, L1231P, L1210P.
Identifiers: ClinVar variation 547221 (VCV000547221.12), dbSNP rs145871842, ClinGen allele CA3750302.